The following is an entry in ClinVar:

NM_012452.3(TNFRSF13B):c.288C>T (p.His96=)

Gene: TNFRSF13B (TNF receptor superfamily member 13B; minus strand). Cytogenetic location: 17p11.2.
Variant type: single nucleotide variant.
Coding change: c.288C>T on transcript NM_012452.3 (MANE Select); coding-DNA position 288, C replaced by T.
Protein change: p.His96=; no amino-acid change (histidine 96 retained).
Molecular consequence: synonymous variant.
Genome position (GRCh38, 1-based): chr17:16,948,895, G>A on the plus strand (C>T on the coding strand, the complement: TNFRSF13B is on the minus strand). VCF-style: chr17-16948895-G-A. GRCh37 (hg19) VCF-style: chr17-16852209-G-A.
Identifiers: ClinVar variation 1033232 (VCV001033232.1), dbSNP rs778997868, ClinGen allele CA498420298.

ClinVar aggregate classification (germline): Uncertain significance (1 of 4 stars; one submission).

Conditions:
Immunodeficiency, common variable, 2 (CVID2). Also called: ANTIBODY DEFICIENCY DUE TO TACI DEFECT; HYPOGAMMAGLOBULINEMIA DUE TO TACI DEFICIENCY. Identifiers: Orphanet 1572, MedGen C3150354, MONDO:0009413, OMIM 240500.

gnomAD v4.1: 1 of 1,614,200 alleles (0.000062%); highest among the groups gnomAD compares: Non-Finnish European, 0.000085%; no homozygotes.

Submission:

Baylor Genetics
Classification: Uncertain significance for Immunodeficiency, common variable, 2. Last evaluated: 2018-09-14. Review status: criteria provided, single submitter. Criteria: ACMG Guidelines, 2015. Collection method: clinical testing. Allele origin: paternal. Affected: yes.
Comment: This variant was determined to be of uncertain significance according to ACMG Guidelines, 2015 [PMID:25741868].